The following is an entry in ClinVar:

ClinVar aggregate classification (germline): Likely benign (0 of 4 stars; one submission).

Conditions:
DNAH2-related disorder. Also called: DNAH2-related condition.

Allele frequency attached by ClinVar (database versions not stated): ExAC 0.00074; gnomAD 0.00163; TOPMed 0.00169; ESP Exome Variant Server 0.00215; 1000 Genomes Project 0.00439; 1000 Genomes Project 30x 0.00531.
gnomAD v4.1: 537 of 1,610,266 alleles (0.033%); highest among the groups gnomAD compares: African/African-American, 0.5%; 5 homozygotes.

Submission:

PreventionGenetics, part of Exact Sciences
Classification: Likely benign for DNAH2-related condition. Last evaluated: 2019-05-22. Review status: no assertion criteria provided. Collection method: clinical testing. Allele origin: germline.
Comment: This variant is classified as likely benign based on ACMG/AMP sequence variant interpretation guidelines (Richards et al. 2015 PMID: 25741868, with internal and published modifications).

NM_020877.5(DNAH2):c.978+10C>T

Gene: DNAH2 (dynein axonemal heavy chain 2; plus strand). Cytogenetic location: 17p13.1.
Variant type: single nucleotide variant.
Coding change: c.978+10C>T on transcript NM_020877.5 (MANE Select); 10 bases into the intron after coding-DNA position 978, C replaced by T.
Molecular consequence: intron variant.
Genome position (GRCh38, 1-based): chr17:7,734,718, C>T. VCF-style: chr17-7734718-C-T. GRCh37 (hg19) VCF-style: chr17-7638036-C-T.
Other names: c.978+10C>T (NM_001303270.2).
Identifiers: ClinVar variation 3039336 (VCV003039336.2), dbSNP rs115559091, ClinGen allele CA8355992.
Genomic context (GRCh38, chr17:7,734,718, plus strand): 5'-GCCAAGTCGTCCTACTTGGCGCCCTTTATGAAACTGGCACAGCAGATCCAGGTTTGTGAG[C>T]GAATCAAAGGATTCAGGCTCAGCAAGAAGTGGGCAATGGTTGGGATGATACAGGGAGCTA-3'